The following is an entry in ClinVar:

NM_001348800.3(ZBTB20):c.1534T>A (p.Phe512Ile)

Gene: ZBTB20 (zinc finger and BTB domain containing 20; minus strand). Cytogenetic location: 3q13.31.
Variant type: single nucleotide variant.
Coding change: c.1534T>A on transcript NM_001348800.3 (MANE Select); coding-DNA position 1534, T replaced by A.
Protein change: p.Phe512Ile; replaces phenylalanine 512 with isoleucine.
Molecular consequence: missense variant.
Genome position (GRCh38, 1-based): chr3:114,350,544, A>T on the plus strand (T>A on the coding strand, the complement: ZBTB20 is on the minus strand). VCF-style: chr3-114350544-A-T. GRCh37 (hg19) VCF-style: chr3-114069391-A-T.
Other names: c.1534T>A, p.Phe512Ile (NM_001164342.2, NM_001348803.3, NM_001393393.1 and 1 more transcripts); c.1315T>A, p.Phe439Ile (NM_001164343.2, NM_001164344.4, NM_001164345.4 and 9 more transcripts); short protein forms F439I, F512I.
Identifiers: ClinVar variation 3633363 (VCV003633363.2).

ClinVar aggregate classification (germline): Uncertain significance (1 of 4 stars; one submission).

Submission:

Labcorp Genetics (formerly Invitae), Labcorp
Classification: Uncertain significance. Last evaluated: 2024-04-08. Review status: criteria provided, single submitter. Criteria: Invitae Variant Classification Sherloc (09022015). Collection method: clinical testing. Allele origin: germline.
Comment: This sequence change replaces phenylalanine, which is neutral and non-polar, with isoleucine, which is neutral and non-polar, at codon 512 of the ZBTB20 protein (p.Phe512Ile). This variant is not present in population databases (gnomAD no frequency). This variant has not been reported in the literature in individuals affected with ZBTB20-related conditions. Advanced modeling of protein sequence and biophysical properties (such as structural, functional, and spatial information, amino acid conservation, physicochemical variation, residue mobility, and thermodynamic stability) has been performed at Invitae for this missense variant, however the output from this modeling did not meet the statistical confidence thresholds required to predict the impact of this variant on ZBTB20 protein function. In summary, the available evidence is currently insufficient to determine the role of this variant in disease. Therefore, it has been classified as a Variant of Uncertain Significance.